The following is an entry in ClinVar:

NM_000455.5(STK11):c.1102G>T (p.Val368Leu)

Genes: STK11 (serine/threonine kinase 11; plus strand), LOC130062899 (ATAC-STARR-seq lymphoblastoid active region 13597; plus strand). Cytogenetic location: 19p13.3.
Variant type: single nucleotide variant.
Coding change: c.1102G>T on transcript NM_000455.5 (MANE Select); coding-DNA position 1102, G replaced by T.
Protein change: p.Val368Leu; replaces valine 368 with leucine.
Molecular consequence: missense variant.
Genome position (GRCh38, 1-based): chr19:1,223,166, G>T. VCF-style: chr19-1223166-G-T. GRCh37 (hg19) VCF-style: chr19-1223165-G-T.
Other names: short protein forms V368L.
Identifiers: ClinVar variation 1514101 (VCV001514101.8), dbSNP rs1311925225, ClinGen allele CA402951981.

ClinVar aggregate classification (germline): Uncertain significance (1 of 4 stars; one submission).

Conditions:
Peutz-Jeghers syndrome (PJS). Also called: Peutz-Jeghers polyposis; Periorificial lentiginosis syndrome; POLYPOSIS, HAMARTOMATOUS INTESTINAL; POLYPS-AND-SPOTS SYNDROME. Identifiers: Orphanet 2869, MedGen C0031269, MeSH D010580, MONDO:0008280, OMIM 175200.

Submission:

Labcorp Genetics (formerly Invitae), Labcorp
Classification: Uncertain significance for Peutz-Jeghers syndrome. Last evaluated: 2021-03-02. Review status: criteria provided, single submitter. Criteria: Invitae Variant Classification Sherloc (09022015). Collection method: clinical testing. Allele origin: germline.
Comment: In summary, the available evidence is currently insufficient to determine the role of this variant in disease. Therefore, it has been classified as a Variant of Uncertain Significance. Advanced modeling of protein sequence and biophysical properties (such as structural, functional, and spatial information, amino acid conservation, physicochemical variation, residue mobility, and thermodynamic stability) performed at Invitae indicates that this missense variant is not expected to disrupt STK11 protein function. This variant has not been reported in the literature in individuals with STK11-related conditions. This variant is not present in population databases (ExAC no frequency). This sequence change replaces valine with leucine at codon 368 of the STK11 protein (p.Val368Leu). The valine residue is highly conserved and there is a small physicochemical difference between valine and leucine.